The following is an entry in ClinVar:

NM_001365480.1(CCDC88A):c.4558A>G (p.Thr1520Ala)

Gene: CCDC88A (coiled-coil and HOOK domain protein 88A; minus strand). Cytogenetic location: 2p16.1.
Variant type: single nucleotide variant.
Coding change: c.4558A>G on transcript NM_001365480.1 (MANE Select); coding-DNA position 4558, A replaced by G.
Protein change: p.Thr1520Ala; replaces threonine 1520 with alanine.
Molecular consequence: missense variant.
Genome position (GRCh38, 1-based): chr2:55,301,986, T>C on the plus strand (A>G on the coding strand, the complement: CCDC88A is on the minus strand). VCF-style: chr2-55301986-T-C. GRCh37 (hg19) VCF-style: chr2-55529122-T-C.
Other names: c.4555A>G, p.Thr1519Ala (NM_001135597.2, NM_001254943.2); c.4474A>G, p.Thr1492Ala (NM_018084.5); c.4555A>G (NM_001135597.1); short protein forms T1492A, T1519A, T1520A.
Identifiers: ClinVar variation 1955665 (VCV001955665.3), dbSNP rs757537794, ClinGen allele CA1665556.
Genomic context (GRCh38, chr2:55,301,986, plus strand): 5'-AAAAGTTGATGGCTGTAGTAGAGAAGGCCATAGCTCCCAATTCTTTTCTCCTTTTACCCG[T>C]TGAAATATCATCAGGAACCTCCAAATTCTCAGTACTACCTGTCCACTGTCCTGCTAGGAC-3'
Protein context (NP_001352409.1, residues 1510-1530): ENLEVPDDIS[Thr1520Ala]GKRRKELGAM

ClinVar aggregate classification (germline): Uncertain significance. Review status: criteria provided, multiple submitters, no conflicts (2 of 4 stars). 2 submissions from 2 submitters: Uncertain significance (2). Last evaluated 2025-11-13.

Allele frequency attached by ClinVar (database versions not stated): gnomAD 0.00001; TOPMed 0.00001; gnomAD exomes 0.00002; ExAC 0.00001.
gnomAD v4.1: 29 of 1,613,964 alleles (0.0018%); highest among the groups gnomAD compares: Non-Finnish European, 0.0022%; no homozygotes.

Submissions (2):

Ambry Genetics
Classification: Uncertain significance. Last evaluated: 2025-11-13. Review status: criteria provided, single submitter. Criteria: Ambry Variant Classification Scheme 2023. Collection method: clinical testing. Allele origin: germline.

Labcorp Genetics (formerly Invitae), Labcorp
Classification: Uncertain significance. Last evaluated: 2022-08-12. Review status: criteria provided, single submitter. Criteria: Invitae Variant Classification Sherloc (09022015). Collection method: clinical testing. Allele origin: germline.
Comment: This sequence change replaces threonine, which is neutral and polar, with alanine, which is neutral and non-polar, at codon 1519 of the CCDC88A protein (p.Thr1519Ala). This variant is present in population databases (rs757537794, gnomAD 0.003%). This variant has not been reported in the literature in individuals affected with CCDC88A-related conditions. Algorithms developed to predict the effect of missense changes on protein structure and function (SIFT, PolyPhen-2, Align-GVGD) all suggest that this variant is likely to be tolerated. In summary, the available evidence is currently insufficient to determine the role of this variant in disease. Therefore, it has been classified as a Variant of Uncertain Significance.